The following is an entry in ClinVar:

NM_000245.4(MET):c.150A>G (p.Thr50=)

Gene: MET (MET proto-oncogene, receptor tyrosine kinase; plus strand). Cytogenetic location: 7q31.2.
Variant type: single nucleotide variant.
Coding change: c.150A>G on transcript NM_000245.4 (MANE Select); coding-DNA position 150, A replaced by G.
Protein change: p.Thr50=; no amino-acid change (threonine 50 retained).
Molecular consequence: synonymous variant. On other transcripts: intron variant (1).
Genome position (GRCh38, 1-based): chr7:116,699,234, A>G. VCF-style: chr7-116699234-A-G. GRCh37 (hg19) VCF-style: chr7-116339288-A-G.
Other names: c.150A>G, p.Thr50= (NM_001127500.3, NM_001324401.3); c.-91+26657A>G (NM_001324402.2).
Identifiers: ClinVar variation 1143266 (VCV001143266.12), dbSNP rs199898841, ClinGen allele CA164887880.

ClinVar aggregate classification (germline): Benign/Likely benign. Review status: criteria provided, multiple submitters, no conflicts (2 of 4 stars). 3 submissions from 3 submitters: Benign (1); Likely benign (2). Last evaluated 2025-09-01.

Conditions:
Papillary renal cell carcinoma type 1 (RCCP1). Also called: RENAL CELL CARCINOMA, PAPILLARY, 1, SOMATIC; Renal adenocarcinoma; Renal cell carcinoma 1; Renal cell carcinoma, somatic. Identifiers: Orphanet 47044, MedGen C1336839, OMIM 605074, HP:0011797.
Renal cell carcinoma. Identifiers: Orphanet 217071, MedGen C0007134, MeSH D002292, MONDO:0005086, HP:0005584.
Hereditary cancer-predisposing syndrome. Also called: Hereditary Cancer Syndrome; Neoplastic Syndromes, Hereditary; Hereditary neoplastic syndrome; Tumor predisposition. Identifiers: Orphanet 140162, MedGen C0027672, MeSH D009386, MONDO:0015356.

Allele frequency attached by ClinVar (database versions not stated): gnomAD exomes below 0.00001; gnomAD 0.00001; TOPMed 0.00001.
gnomAD v4.1: 2 of 1,613,860 alleles (0.00012%); highest among the groups gnomAD compares: African/African-American, 0.0027%; no homozygotes.

Submissions (3):

Labcorp Genetics (formerly Invitae), Labcorp
Classification: Likely benign for Renal cell carcinoma. Last evaluated: 2025-09-01. Review status: criteria provided, single submitter. Criteria: Invitae Variant Classification Sherloc (09022015). Collection method: clinical testing. Allele origin: germline.

Myriad Genetics, Inc.
Classification: Benign for Papillary renal cell carcinoma type 1. Last evaluated: 2024-11-06. Review status: criteria provided, single submitter. Criteria: Myriad Autosomal Dominant, Autosomal Recessive and X-Linked Classification Criteria (2023). Collection method: clinical testing. Allele origin: unknown.
Comment: This variant is considered benign. This variant is a silent/synonymous amino acid change and it is not expected to impact splicing.

Ambry Genetics
Classification: Likely benign for Hereditary cancer-predisposing syndrome. Last evaluated: 2022-08-31. Review status: criteria provided, single submitter. Criteria: Ambry Variant Classification Scheme 2023. Collection method: clinical testing. Allele origin: germline.